The following is an entry in ClinVar:

ClinVar aggregate classification (germline): Likely pathogenic (1 of 4 stars; one submission).

Conditions:
Glomuvenous malformation. Also called: Familial glomangioma; GLOMANGIOMAS, MULTIPLE; GLOMUS TUMORS, MULTIPLE; VENOUS MALFORMATIONS WITH GLOMUS CELLS. Identifiers: Orphanet 83454, MedGen C1841984, MONDO:0007672, OMIM 138000.

Submission:

Variantyx, Inc.
Classification: Likely pathogenic for Glomuvenous malformation. Last evaluated: 2025-06-18. Review status: criteria provided, single submitter. Criteria: Variantyx Assertion Criteria 2022. Collection method: clinical testing. Allele origin: germline. Inheritance: Autosomal dominant inheritance. Affected: yes.
Comment: This is a frameshift variant in the GLMN gene (OMIM: 601749). Pathogenic variants in this gene have been associated with autosomal dominant glomuvenous malformations. This variant introduces a premature termination codon in exon 2 out of 19. It is expected to result in loss of function, which is a known disease mechanism for GLMN in this disorder (PMID: 23801931) (PVS1). This variant has not been reported in individuals with GLMN-related disorders in the databases available for review. This variant is absent from control populations (PM2). Based on the current evidence, this variant is classified as likely pathogenic for autosomal dominant glomuvenous malformations.

Literature cited by the submitters: PubMed 23801931.

NM_053274.3(GLMN):c.19_20del (p.Gln7fs)

Gene: GLMN (glomulin, FKBP associated protein; minus strand). Cytogenetic location: 1p22.1.
Variant type: Deletion.
Coding change: c.19_20del on transcript NM_053274.3 (MANE Select); coding-DNA positions 19 to 20, 2 bases deleted (CA; older notation c.19_20delCA).
Protein change: p.Gln7fs; shifts the reading frame from glutamine 7.
Molecular consequence: frameshift variant. On other transcripts: non-coding transcript variant (1).
Genome position (GRCh38, 1-based): chr1:92,297,980-92,297,981, TG deleted on the plus strand (CA on the coding strand, the reverse complement: GLMN is on the minus strand). VCF-style (leftmost placement, unchanged base first): chr1-92297979-CTG-C. GRCh37 (hg19) VCF-style: chr1-92763536-CTG-C.
Other names: c.19_20del, p.Gln7fs (NM_001319683.2); short protein forms Q7fs.
Identifiers: ClinVar variation 4813046 (VCV004813046.1).